The following is an entry in ClinVar:

NM_001042492.3(NF1):c.586+3A>T

Gene: NF1 (neurofibromin 1; plus strand). Cytogenetic location: 17q11.2.
Variant type: single nucleotide variant.
Coding change: c.586+3A>T on transcript NM_001042492.3 (MANE Select); 3 bases into the intron after coding-DNA position 586, A replaced by T.
Molecular consequence: intron variant.
Genome position (GRCh38, 1-based): chr17:31,170,000, A>T. VCF-style: chr17-31170000-A-T. GRCh37 (hg19) VCF-style: chr17-29497018-A-T.
Other names: c.586+3A>T (NM_000267.4, NM_001128147.3).
Identifiers: ClinVar variation 2861802 (VCV002861802.4), dbSNP rs2065905008, ClinGen allele CA2695225229.
Genomic context (GRCh38, chr17:31,170,000, plus strand): 5'-ATAGAATTGTTACAGTATATCAATGTGGATTGTGCAAAATTAAAACGACTCCTGAAGGGT[A>T]AGTTTAAATGTATAATATATCTGAAAAAAATCACTGGGTCAAAAACTAGTATCATGAATG-3'

ClinVar aggregate classification (germline): Conflicting classifications of pathogenicity. Review status: criteria provided, conflicting classifications (1 of 4 stars). 2 submissions from 2 submitters: Pathogenic (1); Uncertain significance (1). Last evaluated 2024-11-13.

Conditions:
Neurofibromatosis, type 1 (NF1). Also called: Neurofibromatosis, type I; NEUROFIBROMATOSIS, TYPE I, SOMATIC; Peripheral type neurofibromatosis; VON RECKLINGHAUSEN DISEASE. Identifiers: Orphanet 636, MedGen C0027831, MONDO:0018975, OMIM 162200. Disease mechanism: loss of function.

Submissions (2):

GeneDx
Classification: Pathogenic. Last evaluated: 2024-11-13. Review status: criteria provided, single submitter. Criteria: GeneDx Variant Classification Process June 2021. Collection method: clinical testing. Allele origin: germline. Affected: yes.
Comment: Non-canonical splice site variant demonstrated to result in loss of function (Douben H et al. (2023) Human Mutation.); Not observed at significant frequency in large population cohorts (gnomAD); This variant is associated with the following publications: (PMID: Douben2023[Functional study])

Labcorp Genetics (formerly Invitae), Labcorp
Classification: Uncertain significance for Neurofibromatosis, type 1. Last evaluated: 2023-05-02. Review status: criteria provided, single submitter. Criteria: Invitae Variant Classification Sherloc (09022015). Collection method: clinical testing. Allele origin: germline.
Comment: In summary, the available evidence is currently insufficient to determine the role of this variant in disease. Therefore, it has been classified as a Variant of Uncertain Significance. Variants that disrupt the consensus splice site are a relatively common cause of aberrant splicing (PMID: 17576681, 9536098). Algorithms developed to predict the effect of sequence changes on RNA splicing suggest that this variant may disrupt the consensus splice site. This variant has not been reported in the literature in individuals affected with NF1-related conditions. This variant is not present in population databases (gnomAD no frequency). This sequence change falls in intron 5 of the NF1 gene. It does not directly change the encoded amino acid sequence of the NF1 protein. It affects a nucleotide within the consensus splice site.

Literature cited by the submitters: PubMed 17576681 (cited by Labcorp Genetics (formerly Invitae), Labcorp); PubMed 9536098 (cited by Labcorp Genetics (formerly Invitae), Labcorp).